The following is an entry in ClinVar:

ClinVar aggregate classification (germline): Uncertain significance (1 of 4 stars; one submission).

Conditions:
Myopathy caused by variation in FKTN. Identifiers: MedGen CN305638, MONDO:0700067.

gnomAD v4.1: 2 of 1,611,212 alleles (0.00012%); highest among the groups gnomAD compares: Non-Finnish European, 0.00017%; no homozygotes.

Submission:

Myriad Genetics, Inc.
Classification: Uncertain significance for Myopathy caused by variation in FKTN. Last evaluated: 2026-03-12. Review status: criteria provided, single submitter. Criteria: Myriad Autosomal Dominant, Autosomal Recessive and X-Linked Classification Criteria (2023). Collection method: clinical testing. Allele origin: unknown.
Comment: NM_001079802.1(FKTN):c.772T>G(F258V) is a missense variant classified as a variant of uncertain significance in the context of FKTN-related disorders. F258V has not been observed in cases with relevant disease. Relevant functional assessments of this variant are not available in the literature. F258V has not been observed in referenced population frequency databases. In summary, there is insufficient evidence to classify NM_001079802.1(FKTN):c.772T>G(F258V) as pathogenic or benign. Please note: this variant was assessed in the context of healthy population screening.

NM_001079802.2(FKTN):c.772T>G (p.Phe258Val)

Gene: FKTN (fukutin; plus strand). Cytogenetic location: 9q31.2.
Variant type: single nucleotide variant.
Coding change: c.772T>G on transcript NM_001079802.2 (MANE Select); coding-DNA position 772, T replaced by G.
Protein change: p.Phe258Val; replaces phenylalanine 258 with valine.
Molecular consequence: missense variant. On other transcripts: non-coding transcript variant (2).
Genome position (GRCh38, 1-based): chr9:105,607,943, T>G. VCF-style: chr9-105607943-T-G. GRCh37 (hg19) VCF-style: chr9-108370224-T-G.
Other names: c.772T>G, p.Phe258Val (NM_001198963.2, NM_001351496.2, NM_001351498.2 and 1 more transcripts); c.703T>G, p.Phe235Val (NM_001351497.2); c.376T>G, p.Phe126Val (NM_001351499.2, NM_001351500.2, NM_001351501.2 and 1 more transcripts); short protein forms F126V, F235V, F258V.
Identifiers: ClinVar variation 5003804 (VCV005003804.1).
Genomic context (GRCh38, chr9:105,607,943, plus strand): 5'-TTTGTAGAAGAAGTACCACACTCTAGGTTTATTGAGTGTAGGTATAAAGAAGCTCGAGCA[T>G]TCTTTCAGGTTAGAGACAACCAAATGTGTACTTTTAAATTAAAGAAAATGTTGGGATTAT-3'
Protein context (NP_001073270.1, residues 248-268): IECRYKEARA[Phe258Val]FQQYLDDNTV